The following is an entry in ClinVar:

ClinVar aggregate classification (germline): Conflicting classifications of pathogenicity. Review status: criteria provided, conflicting classifications (1 of 4 stars). 4 submissions from 4 submitters: Uncertain significance (3); Likely benign (1). Last evaluated 2025-10-23.

Conditions:
Cardiovascular phenotype. Identifiers: MedGen CN230736.
Noonan syndrome 9 (NS9). Identifiers: Orphanet 648, MedGen C4225282, MONDO:0014691, OMIM 616559.

Allele frequency attached by ClinVar (database versions not stated): ExAC 0.00001; gnomAD exomes 0.00002 and below 0.00001.
gnomAD v4.1: 5 of 1,614,062 alleles (0.00031%); highest among the groups gnomAD compares: Non-Finnish European, 0.00017%; no homozygotes.

Submissions (4):

Ambry Genetics
Classification: Uncertain significance for Cardiovascular phenotype. Last evaluated: 2025-10-23. Review status: criteria provided, single submitter. Criteria: Ambry Variant Classification Scheme 2023. Collection method: clinical testing. Allele origin: germline.
Comment: The p.D1245E variant (also known as c.3735T>G), located in coding exon 23 of the SOS2 gene, results from a T to G substitution at nucleotide position 3735. The aspartic acid at codon 1245 is replaced by glutamic acid, an amino acid with highly similar properties. This amino acid position is conserved. In addition, this alteration is predicted to be tolerated by in silico analysis. Since supporting evidence is limited at this time, the clinical significance of this alteration remains unclear.

Labcorp Genetics (formerly Invitae), Labcorp
Classification: Likely benign for Noonan syndrome 9. Last evaluated: 2025-01-10. Review status: criteria provided, single submitter. Criteria: Invitae Variant Classification Sherloc (09022015). Collection method: clinical testing. Allele origin: germline.

Women's Health and Genetics/Laboratory Corporation of America, LabCorp
Classification: Uncertain significance. Last evaluated: 2022-07-11. Review status: criteria provided, single submitter. Criteria: LabCorp Variant Classification Summary - May 2015. Collection method: clinical testing. Allele origin: germline.
Comment: Variant summary: SOS2 c.3735T>G (p.Asp1245Glu) results in a conservative amino acid change in the encoded protein sequence. Four of five in-silico tools predict a benign effect of the variant on protein function. The variant allele was found at a frequency of 1.6e-05 in 251462 control chromosomes (gnomAD). The available data on variant occurrences in the general population are insufficient to allow any conclusion about variant significance. To our knowledge, no occurrence of c.3735T>G in individuals affected with Noonan Syndrome and no experimental evidence demonstrating its impact on protein function have been reported. One ClinVar submitter has assessed the variant since 2014: it was classified as of uncertain significance. Based on the evidence outlined above, the variant was classified as uncertain significance.

Genome-Nilou Lab
Classification: Uncertain significance for Noonan syndrome 9. Review status: criteria provided, single submitter. Criteria: ACMG Guidelines, 2015. Collection method: clinical testing. Allele origin: germline.

NM_006939.4(SOS2):c.3735T>G (p.Asp1245Glu)

Gene: SOS2 (SOS Ras/Rho guanine nucleotide exchange factor 2; minus strand). Cytogenetic location: 14q21.3.
Variant type: single nucleotide variant.
Coding change: c.3735T>G on transcript NM_006939.4 (MANE Select); coding-DNA position 3735, T replaced by G.
Protein change: p.Asp1245Glu; replaces aspartic acid 1245 with glutamic acid.
Molecular consequence: missense variant.
Genome position (GRCh38, 1-based): chr14:50,118,608, A>C on the plus strand (T>G on the coding strand, the complement: SOS2 is on the minus strand). VCF-style: chr14-50118608-A-C. GRCh37 (hg19) VCF-style: chr14-50585326-A-C.
Other names: c.3735T>G (NM_006939.2); short protein forms D1245E.
Identifiers: ClinVar variation 1367776 (VCV001367776.10), dbSNP rs752525400, ClinGen allele CA7176719.